The following is an entry in ClinVar:

NM_000257.4(MYH7):c.3730A>G (p.Asn1244Asp)

Gene: MYH7 (myosin heavy chain 7; minus strand). Cytogenetic location: 14q11.2.
Variant type: single nucleotide variant.
Coding change: c.3730A>G on transcript NM_000257.4 (MANE Select); coding-DNA position 3730, A replaced by G.
Protein change: p.Asn1244Asp; replaces asparagine 1244 with aspartic acid.
Molecular consequence: missense variant.
Genome position (GRCh38, 1-based): chr14:23,419,606, T>C on the plus strand (A>G on the coding strand, the complement: MYH7 is on the minus strand). VCF-style: chr14-23419606-T-C. GRCh37 (hg19) VCF-style: chr14-23888815-T-C.
Other names: short protein forms N1244D.
Identifiers: ClinVar variation 1320429 (VCV001320429.2), dbSNP rs200746981, ClinGen allele CA389042838.

ClinVar aggregate classification (germline): Uncertain significance (1 of 4 stars; one submission).

Submission:

GeneDx
Classification: Uncertain significance. Last evaluated: 2021-09-22. Review status: criteria provided, single submitter. Criteria: GeneDx Variant Classification Process June 2021. Collection method: clinical testing. Allele origin: germline. Affected: yes.
Comment: Has not been previously published as pathogenic or benign to our knowledge; Reported in ClinVar as a variant of uncertain significance (ClinVar Variant ID# 191729; Landrum et al., 2016); Not observed at significant frequency in large population cohorts (Lek et al., 2016); In silico analysis supports that this missense variant has a deleterious effect on protein structure/function; This variant is associated with the following publications: (PMID: 26582918)